The following is an entry in ClinVar:

NM_000093.5(COL5A1):c.5314G>A (p.Glu1772Lys)

Genes: COL5A1 (collagen type V alpha 1 chain; plus strand), LOC101448202 (uncharacterized LOC101448202; minus strand). Cytogenetic location: 9q34.3.
Variant type: single nucleotide variant.
Coding change: c.5314G>A on transcript NM_000093.5 (MANE Select); coding-DNA position 5314, G replaced by A.
Protein change: p.Glu1772Lys; replaces glutamic acid 1772 with lysine.
Molecular consequence: missense variant.
Genome position (GRCh38, 1-based): chr9:134,835,148, G>A. VCF-style: chr9-134835148-G-A. GRCh37 (hg19) VCF-style: chr9-137726994-G-A.
Other names: c.5314G>A, p.Glu1772Lys (NM_001278074.1); c.5314G>A (NM_000093.3); short protein forms E1772K.
Identifiers: ClinVar variation 523327 (VCV000523327.13), dbSNP rs759042440, ClinGen allele CA375460830.

ClinVar aggregate classification (germline): Uncertain significance. Review status: criteria provided, multiple submitters, no conflicts (2 of 4 stars). 6 submissions from 6 submitters: Uncertain significance (6). Last evaluated 2026-04-27.

Conditions:
Neuropathic spinal arthropathy. Identifiers: MedGen C5702564, HP:0008443.
Skeletal dysplasia. Also called: Primary bone dysplasia. Identifiers: Orphanet 364526, MedGen C0410528, MONDO:0018230, HP:0002652.
Relative macrocephaly. Identifiers: MedGen C1849075, HP:0004482.
Abnormality of the lower limb. Identifiers: MedGen C1096086, HP:0002814.
Narrow chest. Identifiers: MedGen C0426790, HP:0000774.
Scoliosis. Identifiers: MedGen C0036439, MONDO:0005392, HP:0002650.
Familial thoracic aortic aneurysm and aortic dissection (TAAD). Also called: Thoracic aortic aneurysms and dissections. Identifiers: Orphanet 91387, MedGen C4707243, MONDO:0019625.
Ehlers-Danlos syndrome, classic type, 1 (EDSCL1). Also called: EDS I; EHLERS-DANLOS SYNDROME, GRAVIS TYPE; Ehlers-Danlos syndrome, type 1; Ehlers-Danlos Syndrome, Classic Type, COL5A1-Related; EHLERS-DANLOS SYNDROME, SEVERE CLASSIC TYPE. Identifiers: MedGen C0268335, MONDO:0019567, OMIM 130000.

Allele frequency attached by ClinVar (database versions not stated): TOPMed below 0.00001; gnomAD 0.00001.
gnomAD v4.1: 9 of 1,613,702 alleles (0.00056%); highest among the groups gnomAD compares: Admixed American, 0.0017%; no homozygotes.

Submissions (6):

Ambry Genetics
Classification: Uncertain significance for Familial thoracic aortic aneurysm and aortic dissection. Last evaluated: 2026-04-27. Review status: criteria provided, single submitter. Criteria: Ambry Variant Classification Scheme 2023. Collection method: clinical testing. Allele origin: germline.
Comment: The p.E1772K variant (also known as c.5314G>A), located in coding exon 65 of the COL5A1 gene, results from a G to A substitution at nucleotide position 5314. The glutamic acid at codon 1772 is replaced by lysine, an amino acid with similar properties. This amino acid position is conserved. In addition, the in silico prediction for this alteration is inconclusive. Based on the available evidence, the clinical significance of this variant remains unclear.

Labcorp Genetics (formerly Invitae), Labcorp
Classification: Uncertain significance for Ehlers-Danlos syndrome, classic type, 1. Last evaluated: 2024-11-08. Review status: criteria provided, single submitter. Criteria: Invitae Variant Classification Sherloc (09022015). Collection method: clinical testing. Allele origin: germline.
Comment: This sequence change replaces glutamic acid, which is acidic and polar, with lysine, which is basic and polar, at codon 1772 of the COL5A1 protein (p.Glu1772Lys). This variant is not present in population databases (gnomAD no frequency). This variant has not been reported in the literature in individuals affected with COL5A1-related conditions. ClinVar contains an entry for this variant (Variation ID: 523327). Invitae Evidence Modeling of protein sequence and biophysical properties (such as structural, functional, and spatial information, amino acid conservation, physicochemical variation, residue mobility, and thermodynamic stability) has been performed for this missense variant. However, the output from this modeling did not meet the statistical confidence thresholds required to predict the impact of this variant on COL5A1 protein function. In summary, the available evidence is currently insufficient to determine the role of this variant in disease. Therefore, it has been classified as a Variant of Uncertain Significance.

Blueprint Genetics
Classification: Uncertain significance. Last evaluated: 2023-09-12. Review status: criteria provided, single submitter. Criteria: ACMG Guidelines, 2015. Collection method: clinical testing. Allele origin: germline.

GeneDx
Classification: Uncertain significance. Last evaluated: 2022-10-03. Review status: criteria provided, single submitter. Criteria: GeneDx Variant Classification Process June 2021. Collection method: clinical testing. Allele origin: germline. Affected: yes.
Comment: Not observed at significant frequency in large population cohorts (gnomAD); In silico analysis supports that this missense variant has a deleterious effect on protein structure/function; Not located in the triple helical region, where the majority of pathogenic missense variants occur (Symoens et al., 2012; HGMD); Has not been previously published as pathogenic or benign to our knowledge; This variant is associated with the following publications: (PMID: 22696272)

Mayo Clinic Laboratories, Mayo Clinic
Classification: Uncertain significance. Last evaluated: 2020-11-12. Review status: criteria provided, single submitter. Criteria: ACMG Guidelines, 2015. Collection method: clinical testing. Allele origin: germline. Observed: 1 variant allele.

Centre for Mendelian Genomics, University Medical Centre Ljubljana
Classification: Uncertain significance for Abnormality of the lower limb; Narrow chest; Relative macrocephaly; Scoliosis; Skeletal dysplasia; Neuropathic spinal arthropathy. Last evaluated: 2017-01-01. Review status: criteria provided, single submitter. Criteria: ACMG Guidelines, 2015. Collection method: clinical testing. Allele origin: unknown. Affected: yes.